The following is an entry in ClinVar:

ClinVar aggregate classification (germline): Uncertain significance. Review status: criteria provided, multiple submitters, no conflicts (2 of 4 stars). 3 submissions from 3 submitters: Uncertain significance (3). Last evaluated 2025-12-03.

Conditions:
MARS1-related disorder. Also called: MARS1-related condition.
Charcot-Marie-Tooth disease. Also called: Charcot-Marie-Tooth Neuropathy; Charcot-Marie-Tooth Hereditary Neuropathy. Identifiers: Orphanet 166, MedGen C0007959, MONDO:0015626.
Severe early-onset pulmonary alveolar proteinosis due to MARS deficiency. Also called: PULMONARY ALVEOLAR PROTEINOSIS, REUNION ISLAND; Interstitial lung and liver disease. Identifiers: Orphanet 440427, MedGen C4225400, MONDO:0014206, OMIM 615486.
Charcot-Marie-Tooth disease axonal type 2U. Also called: CHARCOT-MARIE-TOOTH NEUROPATHY, TYPE 2U; CHARCOT-MARIE-TOOTH DISEASE, AXONAL, AUTOSOMAL DOMINANT, TYPE 2U. Identifiers: Orphanet 397735, MedGen C4084821, MONDO:0014566, OMIM 616280.

Allele frequency attached by ClinVar (database versions not stated): gnomAD 0.00003 and 0.00004; ExAC 0.00004; gnomAD exomes 0.00004; TOPMed 0.00005.
gnomAD v4.1: 20 of 1,614,056 alleles (0.0012%); highest among the groups gnomAD compares: African/African-American, 0.0093%; no homozygotes.

Submissions (3):

PreventionGenetics, part of Exact Sciences
Classification: Uncertain significance for MARS1-related condition. Last evaluated: 2025-12-03. Review status: criteria provided, single submitter. Criteria: ACMG Guidelines, 2015. Collection method: clinical testing. Allele origin: germline.
Comment: The MARS1 c.1448G>A variant is predicted to result in the amino acid substitution p.Arg483His. This variant was reported as a variant of uncertain significance in an individual with Charcot-Marie-Tooth disease (Supp. Table 2, Volodarsky et al. 2021. PubMed ID: 32376792). This variant is reported in 0.016% of alleles in individuals of East Asian descent in gnomAD. At this time, the clinical significance of this variant is uncertain due to the absence of conclusive functional and genetic evidence.

Labcorp Genetics (formerly Invitae), Labcorp
Classification: Uncertain significance for Charcot-Marie-Tooth disease axonal type 2U; Severe early-onset pulmonary alveolar proteinosis due to MARS deficiency. Last evaluated: 2024-12-07. Review status: criteria provided, single submitter. Criteria: Invitae Variant Classification Sherloc (09022015). Collection method: clinical testing. Allele origin: germline.
Comment: This sequence change replaces arginine, which is basic and polar, with histidine, which is basic and polar, at codon 483 of the MARS protein (p.Arg483His). This variant is present in population databases (rs779123068, gnomAD 0.02%). This missense change has been observed in individual(s) with Charcot-Marie-Tooth disease (PMID: 23729695). ClinVar contains an entry for this variant (Variation ID: 917036). An algorithm developed to predict the effect of missense changes on protein structure and function (PolyPhen-2) suggests that this variant is likely to be tolerated. In summary, the available evidence is currently insufficient to determine the role of this variant in disease. Therefore, it has been classified as a Variant of Uncertain Significance.

Molecular Genetics Laboratory, London Health Sciences Centre
Classification: Uncertain significance for Charcot-Marie-Tooth disease. Review status: criteria provided, single submitter. Criteria: ACMG Guidelines, 2015. Collection method: clinical testing. Allele origin: germline. Affected: yes.

Literature cited by the submitters: PubMed 23729695 (cited by Labcorp Genetics (formerly Invitae), Labcorp).

NM_004990.4(MARS1):c.1448G>A (p.Arg483His)

Gene: MARS1 (methionyl-tRNA synthetase 1; plus strand). Cytogenetic location: 12q13.3.
Variant type: single nucleotide variant.
Coding change: c.1448G>A on transcript NM_004990.4 (MANE Select); coding-DNA position 1448, G replaced by A.
Protein change: p.Arg483His; replaces arginine 483 with histidine.
Molecular consequence: missense variant.
Genome position (GRCh38, 1-based): chr12:57,511,777, G>A. VCF-style: chr12-57511777-G-A. GRCh37 (hg19) VCF-style: chr12-57905560-G-A.
Other names: short protein forms R483H.
Identifiers: ClinVar variation 917036 (VCV000917036.10), dbSNP rs779123068, ClinGen allele CA6650521.